The following is an entry in ClinVar:

NM_000059.4(BRCA2):c.8242G>T (p.Gly2748Cys)

Gene: BRCA2 (BRCA2 DNA repair associated; plus strand). Cytogenetic location: 13q13.1.
Variant type: single nucleotide variant.
Coding change: c.8242G>T on transcript NM_000059.4 (MANE Select); coding-DNA position 8242, G replaced by T.
Protein change: p.Gly2748Cys; replaces glycine 2748 with cysteine.
Molecular consequence: missense variant. On other transcripts: non-coding transcript variant (1).
Genome position (GRCh38, 1-based): chr13:32,363,444, G>T. VCF-style: chr13-32363444-G-T. GRCh37 (hg19) VCF-style: chr13-32937581-G-T.
Other names: c.8146G>T, p.Gly2716Cys (NM_001406719.1); c.8242G>T, p.Gly2748Cys (NM_001406720.1, NM_001432077.1); c.3310G>T, p.Gly1104Cys (NM_001406721.1); c.1825G>T, p.Gly609Cys (NM_001406722.1); short protein forms G1104C, G2716C, G2748C, G609C.
Identifiers: ClinVar variation 4802351 (VCV004802351.1).
Genomic context (GRCh38, chr13:32,363,444, plus strand): 5'-GTTAAGGCCCAGTTAGATCCTCCCCTCTTAGCTGTCTTAAAGAATGGCAGACTGACAGTT[G>T]GTCAGAAGATTATTCTTCATGGAGCAGAACTGGTGGGCTCTCCTGATGCCTGTACACCTC-3'
Protein context (NP_000050.3, residues 2738-2758): AVLKNGRLTV[Gly2748Cys]QKIILHGAEL

ClinVar aggregate classification (germline): Uncertain significance (1 of 4 stars; one submission).

Conditions:
Hereditary breast ovarian cancer syndrome. Also called: Hereditary breast and ovarian cancer syndrome (HBOC); Hereditary breast and ovarian cancer; Breast and ovarian cancer; Hereditary breast and/or ovarian cancer syndrome; BRCA1- and BRCA2-Associated Hereditary Breast and Ovarian Cancer; Hereditary breast and ovarian cancer syndrome. Identifiers: Orphanet 145, MedGen C0677776, MeSH D061325, MONDO:0003582. Disease mechanism: loss of function.

Submission:

Labcorp Genetics (formerly Invitae), Labcorp
Classification: Uncertain significance for Hereditary breast ovarian cancer syndrome. Last evaluated: 2025-12-22. Review status: criteria provided, single submitter. Criteria: Invitae Variant Classification Sherloc (09022015). Collection method: clinical testing. Allele origin: germline.
Comment: This sequence change replaces glycine, which is neutral and non-polar, with cysteine, which is neutral and slightly polar, at codon 2748 of the BRCA2 protein (p.Gly2748Cys). This variant is not present in population databases (gnomAD no frequency). This variant has not been reported in the literature in individuals affected with BRCA2-related conditions. Invitae Evidence Modeling of protein sequence and biophysical properties (such as structural, functional, and spatial information, amino acid conservation, physicochemical variation, residue mobility, and thermodynamic stability) has been performed for this missense variant. However, the output from this modeling did not meet the statistical confidence thresholds required to predict the impact of this variant on BRCA2 protein function. This variant disrupts the p.Gly2748 amino acid residue in BRCA2. Other variant(s) that disrupt this residue have been determined to be pathogenic (PMID: 15026808, 17924331, 18451181, 21671020, 22711857, 23108138, 23328489, 25146914). This suggests that this residue is clinically significant, and that variants that disrupt this residue are likely to be disease-causing. In summary, the available evidence is currently insufficient to determine the role of this variant in disease. Therefore, it has been classified as a Variant of Uncertain Significance.

Literature cited by the submitters: PubMed 15026808; PubMed 17924331; PubMed 18451181; PubMed 21671020; PubMed 22711857; PubMed 23108138; PubMed 23328489; PubMed 25146914.